The following is an entry in ClinVar:

NM_000081.4(LYST):c.10654del (p.Gln3552fs)

Gene: LYST (lysosomal trafficking regulator; minus strand). Cytogenetic location: 1q42.3.
Variant type: Deletion.
Coding change: c.10654del on transcript NM_000081.4 (MANE Select); coding-DNA position 10654, one base deleted (C; older notation c.10654delC).
Protein change: p.Gln3552fs; shifts the reading frame from glutamine 3552.
Molecular consequence: frameshift variant.
Genome position (GRCh38, 1-based): chr1:235,693,397, G deleted on the plus strand (C on the coding strand, the reverse complement: LYST is on the minus strand). VCF-style (leftmost placement, unchanged base first): chr1-235693396-TG-T. GRCh37 (hg19) VCF-style: chr1-235856696-TG-T.
Other names: c.10654del, p.Gln3552fs (NM_001301365.1); short protein forms Q3552fs.
Identifiers: ClinVar variation 2089850 (VCV002089850.4), dbSNP rs2527257999, ClinGen allele CA2580062300.

ClinVar aggregate classification (germline): Pathogenic (1 of 4 stars; one submission).

Conditions:
Chédiak-Higashi syndrome (CHS). Also called: Chediak-Higashi Syndrome. Identifiers: Orphanet 167, MedGen C0007965, MONDO:0008963, OMIM 214500.

Submission:

Labcorp Genetics (formerly Invitae), Labcorp
Classification: Pathogenic for Chédiak-Higashi syndrome. Last evaluated: 2022-01-26. Review status: criteria provided, single submitter. Criteria: Invitae Variant Classification Sherloc (09022015). Collection method: clinical testing. Allele origin: germline.
Comment: This sequence change creates a premature translational stop signal (p.Gln3552Lysfs*6) in the LYST gene. It is expected to result in an absent or disrupted protein product. Loss-of-function variants in LYST are known to be pathogenic (PMID: 9215679, 11857544). This variant is not present in population databases (gnomAD no frequency). This variant has not been reported in the literature in individuals affected with LYST-related conditions. For these reasons, this variant has been classified as Pathogenic.

Literature cited by the submitters: PubMed 9215679; PubMed 11857544.